The following is an entry in ClinVar:

NM_000238.4(KCNH2):c.3331-6T>C

Gene: KCNH2 (potassium voltage-gated channel subfamily H member 2; minus strand). Cytogenetic location: 7q36.1.
Variant type: single nucleotide variant.
Coding change: c.3331-6T>C on transcript NM_000238.4 (MANE Select); 6 bases into the intron before coding-DNA position 3331, T replaced by C.
Molecular consequence: intron variant.
Genome position (GRCh38, 1-based): chr7:150,945,520, A>G on the plus strand (T>C on the coding strand, the complement: KCNH2 is on the minus strand). VCF-style: chr7-150945520-A-G. GRCh37 (hg19) VCF-style: chr7-150642608-A-G.
Other names: c.3043-6T>C (NM_001406753.1); c.2311-6T>C (NM_172057.3).
Identifiers: ClinVar variation 4750454 (VCV004750454.1).

ClinVar aggregate classification (germline): Uncertain significance (1 of 4 stars; one submission).

Conditions:
Long QT syndrome (LQTS). Identifiers: MedGen C0023976, MeSH D008133, MONDO:0002442. Disease mechanism: loss of function. Inheritance: Various modes of inheritance.

Submission:

Labcorp Genetics (formerly Invitae), Labcorp
Classification: Uncertain significance for Long QT syndrome. Last evaluated: 2025-02-28. Review status: criteria provided, single submitter. Criteria: Invitae Variant Classification Sherloc (09022015). Collection method: clinical testing. Allele origin: germline.
Comment: This sequence change falls in intron 14 of the KCNH2 gene. It does not directly change the encoded amino acid sequence of the KCNH2 protein. This variant is not present in population databases (gnomAD no frequency). This variant has not been reported in the literature in individuals affected with KCNH2-related conditions. Algorithms developed to predict the effect of sequence changes on RNA splicing suggest that this variant may disrupt the consensus splice site. In summary, the available evidence is currently insufficient to determine the role of this variant in disease. Therefore, it has been classified as a Variant of Uncertain Significance.